The following is an entry in ClinVar:

NM_152703.5(SAMD9L):c.695G>A (p.Arg232His)

Gene: SAMD9L (sterile alpha motif domain containing 9 like; minus strand). Cytogenetic location: 7q21.2.
Variant type: single nucleotide variant.
Coding change: c.695G>A on transcript NM_152703.5 (MANE Select); coding-DNA position 695, G replaced by A.
Protein change: p.Arg232His; replaces arginine 232 with histidine.
Molecular consequence: missense variant.
Genome position (GRCh38, 1-based): chr7:93,135,277, C>T on the plus strand (G>A on the coding strand, the complement: SAMD9L is on the minus strand). VCF-style: chr7-93135277-C-T. GRCh37 (hg19) VCF-style: chr7-92764590-C-T.
Other names: c.695G>A, p.Arg232His (NM_001303496.3, NM_001303497.3, NM_001303498.3 and 5 more transcripts); short protein forms R232H.
Identifiers: ClinVar variation 728751 (VCV000728751.40), dbSNP rs574472008, ClinGen allele CA4343830.
Genomic context (GRCh38, chr7:93,135,277, plus strand): 5'-ACACCAACAATTTCTCCATGGGGTTTGTCCTTGACTCCAAAATGGATGGTGCCATTGGTG[C>T]GTGAATTCATACAAGCTGATGCAAATCGGAAGACTTCATTGCTGAATTTCATCTTAATGT-3'
Protein context (NP_689916.2, residues 222-242): FRFASACMNS[Arg232His]TNGTIHFGVK

ClinVar aggregate classification (germline): Benign/Likely benign. Review status: criteria provided, multiple submitters, no conflicts (2 of 4 stars). 4 submissions from 4 submitters: Benign (2); Likely benign (2). Last evaluated 2026-01-14.

Conditions:
Spinocerebellar ataxia 49 (SCA49). Identifiers: Orphanet 631106, MedGen C5676950, MONDO:0030805, OMIM 619806.
Monosomy 7 myelodysplasia and leukemia syndrome 1. Also called: Familial Mosaic Monosomy 7 Syndrome; Monosomy 7 of bone marrow; CHROMOSOME 7q DELETION. Identifiers: MedGen C1854978, MONDO:0009646, OMIM 252270.
Ataxia-pancytopenia syndrome (ATXPC). Also called: SAMD9L Ataxia-Pancytopenia Syndrome; SAMD9L-Related Syndrome. Identifiers: Orphanet 2585, MedGen C1327919, MONDO:0008038, OMIM 159550.

Allele frequency attached by ClinVar (database versions not stated): gnomAD 0.00004 and 0.00021; TOPMed 0.00006; gnomAD exomes 0.00071; 1000 Genomes Project 30x 0.00265; 1000 Genomes Project 0.00280.
gnomAD v4.1: 526 of 1,614,088 alleles (0.033%); highest among the groups gnomAD compares: South Asian, 0.51%; 7 homozygotes.

Submissions (4):

Labcorp Genetics (formerly Invitae), Labcorp
Classification: Benign. Last evaluated: 2026-01-14. Review status: criteria provided, single submitter. Criteria: Invitae Variant Classification Sherloc (09022015). Collection method: clinical testing. Allele origin: germline.

Blueprint Genetics
Classification: Likely benign. Last evaluated: 2024-11-21. Review status: criteria provided, single submitter. Criteria: ACMG Guidelines, 2015. Collection method: clinical testing. Allele origin: germline.

CeGaT Center for Human Genetics Tuebingen
Classification: Benign. Last evaluated: 2022-10-01. Review status: criteria provided, single submitter. Criteria: CeGaT Center For Human Genetics Tuebingen Variant Classification Criteria Version 2. Collection method: clinical testing. Allele origin: germline. Affected: yes. Observed: 3 variant alleles.
Comment: SAMD9L: BS1, BS2

Department of Pathology and Laboratory Medicine, Sinai Health System
Classification: Likely benign for Ataxia-pancytopenia syndrome; Monosomy 7 myelodysplasia and leukemia syndrome 1; Spinocerebellar ataxia 49. Last evaluated: 2020-09-01. Review status: criteria provided, single submitter. Criteria: ACMG Guidelines, 2015. Collection method: research. Allele origin: germline.